The following is an entry in ClinVar:

ClinVar aggregate classification (germline): Likely benign (1 of 4 stars; one submission).

Conditions:
ZMIZ1-related disorder. Also called: ZMIZ1-related condition.

gnomAD v4.1: 39 of 1,614,140 alleles (0.0024%); highest among the groups gnomAD compares: Non-Finnish European, 0.0028%; no homozygotes.

Submission:

PreventionGenetics, part of Exact Sciences
Classification: Likely benign for ZMIZ1-related condition. Last evaluated: 2026-08-28. Review status: criteria provided, single submitter. Criteria: ACMG Guidelines, 2015. Collection method: clinical testing. Allele origin: germline.
Comment: This variant is classified as likely benign based on ACMG/AMP sequence variant interpretation guidelines (Richards et al. 2015 PMID: 25741868, with internal and published modifications).

NM_020338.4(ZMIZ1):c.99G>A (p.Thr33=)

Gene: ZMIZ1 (zinc finger MIZ-type containing 1; plus strand). Cytogenetic location: 10q22.3.
Variant type: single nucleotide variant.
Coding change: c.99G>A on transcript NM_020338.4 (MANE Select); coding-DNA position 99, G replaced by A.
Protein change: p.Thr33=; no amino-acid change (threonine 33 retained).
Molecular consequence: synonymous variant.
Genome position (GRCh38, 1-based): chr10:79,208,374, G>A. VCF-style: chr10-79208374-G-A. GRCh37 (hg19) VCF-style: chr10-80968131-G-A.
Identifiers: ClinVar variation 4990541 (VCV004990541.1).
Genomic context (GRCh38, chr10:79,208,374, plus strand): 5'-GCCTCCTTTTCCTTTCCCACAGCACTTACAGAATCCTGCCAACTTCCACAATGCCGCCAC[G>A]GAGCTGCTGGACTGGTGCGGAGACCCACGGGCCTTCCAGCGGCCCTTCGAGCAGAGCCTG-3'
Protein context (NP_065071.1, residues 23-43): QNPANFHNAA[Thr33=]ELLDWCGDPR